The following is an entry in ClinVar:

ClinVar aggregate classification (germline): Uncertain significance. Review status: criteria provided, multiple submitters, no conflicts (2 of 4 stars). 13 submissions from 12 submitters: Uncertain significance (11). 2 of the submissions do not count toward it. Last evaluated 2026-04-22.

Conditions:
Familial ovarian cancer. Identifiers: MedGen C5679802, MONDO:0016248.
Hereditary cancer-predisposing syndrome. Also called: Neoplastic Syndromes, Hereditary; Hereditary Cancer Syndrome; Tumor predisposition; Hereditary neoplastic syndrome. Identifiers: Orphanet 140162, MedGen C0027672, MeSH D009386, MONDO:0015356.
Fanconi anemia complementation group J. Also called: BRIP1-Related Fanconi Anemia. Identifiers: Orphanet 84, MedGen C1836860, MONDO:0012187, OMIM 609054.
Familial cancer of breast. Also called: BREAST CANCER, FAMILIAL; Hereditary breast cancer; hereditary breast carcinoma. Identifiers: Orphanet 227535, MedGen C0346153, MONDO:0016419, OMIM 114480. Disease mechanism: loss of function.
Ovarian cancer. Also called: OVARIAN CANCER, SOMATIC. Identifiers: Orphanet 213500, MedGen C1140680, MONDO:0008170, OMIM 167000.

Allele frequency attached by ClinVar (database versions not stated): gnomAD exomes 0.00001; ExAC 0.00001; TOPMed 0.00002.

Submissions (13):

Dasa
Classification: Uncertain significance. Last evaluated: 2026-04-22. Review status: criteria provided, single submitter. Criteria: DASA Assertion Criteria. Collection method: clinical testing. Allele origin: germline.
Comment: NM_032043.3(BRIP1):c.1195G>A (p.Glu399Lys) is a missense variant that results in the substitution of glutamic acid with lysine. This variant is rare in population databases. The currently available literature and clinical evidence are not sufficient to establish a definitive association between this variant and the reported condition. Therefore, this variant is classified as a variant of uncertain significance.

Victorian Clinical Genetics Services, Murdoch Childrens Research Institute
Classification: Uncertain significance for Fanconi anemia complementation group J. Last evaluated: 2025-11-25. Review status: criteria provided, single submitter. Criteria: ACMG Guidelines, 2015. Collection method: clinical testing. Allele origin: germline. Affected: yes.
Comment: This variant is classified as VUS-3A. Evidence in support of pathogenic classification: Variant is present in gnomAD <0.01 (v4: 20 heterozygote(s), 0 homozygote(s)); Strong phenotype match for this individual. Additional information: Variant is predicted to result in a missense amino acid change from Glu to Lys; This variant is homozygous; This gene is associated with both recessive and dominant disease. Biallelic pathogenic variants are associated with complementation group J Fanconi anaemia (MIM#609054), while monoallelic pathogenic variants are associated with increased susceptibility to familial ovarian cancer, (MONDO:0016248), BRIP1-related; Previous evidence of pathogenicity for this variant is inconclusive. This variant has been classified as a VUS by multiple clinical laboratories in ClinVar. It has also been reported in the literature in one individual with ovarian cancer and in another individual with conotruncal defects (PMIDs: 31822495, 28991257); No published evidence of segregation with disease has been identified for this variant; No published functional evidence has been identified for this variant; Other missense variant(s) comparable to the one identified in this case have inconclusive previous evidence for pathogenicity. p.(Glu399Gln) and p.(Glu399Asp) have been classified as VUS by clinical laboratories in ClinVar; Variant is located in the annotated DEAD_2 domain (DECIPHER); Missense variant with inconclusive in silico prediction and/or uninformative conservation; Loss of function is a known mechanism of disease in this gene and is associated with complementation group J Fanconi anaemia (MIM#609054) and susceptibility to familial ovarian cancer (MONDO:0016248), BRIP1-related (National Comprehensive Cancer Network guidelines); Inheritance information for this variant is not currently available in this individual.

Labcorp Genetics (formerly Invitae), Labcorp
Classification: Uncertain significance for Familial cancer of breast; Fanconi anemia complementation group J. Last evaluated: 2025-10-19. Review status: criteria provided, single submitter. Criteria: Invitae Variant Classification Sherloc (09022015). Collection method: clinical testing. Allele origin: germline.
Comment: This sequence change replaces glutamic acid, which is acidic and polar, with lysine, which is basic and polar, at codon 399 of the BRIP1 protein (p.Glu399Lys). This variant is present in population databases (rs587782816, gnomAD 0.002%). This missense change has been observed in individual(s) with ovarian cancer (PMID: 31822495). ClinVar contains an entry for this variant (Variation ID: 142915). Invitae Evidence Modeling of protein sequence and biophysical properties (such as structural, functional, and spatial information, amino acid conservation, physicochemical variation, residue mobility, and thermodynamic stability) indicates that this missense variant is expected to disrupt BRIP1 protein function with a positive predictive value of 95%. In summary, the available evidence is currently insufficient to determine the role of this variant in disease. Therefore, it has been classified as a Variant of Uncertain Significance.

Molecular Pathology, Peter Maccallum Cancer Centre
Classification: Uncertain significance for Familial ovarian cancer. Last evaluated: 2025-03-12. Review status: criteria provided, single submitter. Criteria: ACMG Guidelines, 2015. Collection method: clinical testing. Allele origin: germline. Inheritance: Autosomal dominant inheritance.

Ambry Genetics
Classification: Uncertain significance for Hereditary cancer-predisposing syndrome. Last evaluated: 2024-10-25. Review status: criteria provided, single submitter. Criteria: Ambry Variant Classification Scheme 2023. Collection method: clinical testing. Allele origin: germline.
Comment: The p.E399K variant (also known as c.1195G>A), located in coding exon 8 of the BRIP1 gene, results from a G to A substitution at nucleotide position 1195. The glutamic acid at codon 399 is replaced by lysine, an amino acid with similar properties. This amino acid position is highly conserved in available vertebrate species. In addition, the in silico prediction for this alteration is inconclusive. Based on the available evidence, the clinical significance of this variant remains unclear.

GeneDx
Classification: Uncertain significance. Last evaluated: 2024-02-27. Review status: criteria provided, single submitter. Criteria: GeneDx Variant Classification Process June 2021. Collection method: clinical testing. Allele origin: germline.
Comment: Not observed at significant frequency in large population cohorts (gnomAD); In silico analysis supports that this missense variant has a deleterious effect on protein structure/function; Observed in an individual with ovarian cancer (PMID: 31822495); This variant is associated with the following publications: (PMID: 28991257, 32368696, 31822495)

Baylor Genetics
Classification: Uncertain significance for Familial cancer of breast. Last evaluated: 2023-10-01. Review status: criteria provided, single submitter. Criteria: ACMG Guidelines, 2015. Collection method: clinical testing. Allele origin: unknown.

Color Diagnostics, LLC DBA Color Health
Classification: Uncertain significance for Hereditary cancer-predisposing syndrome. Last evaluated: 2023-03-07. Review status: criteria provided, single submitter. Criteria: ACMG Guidelines, 2015. Collection method: clinical testing. Allele origin: germline.
Comment: This missense variant replaces glutamic acid with lysine at codon 399 of the BRIP1 protein. Computational prediction is inconclusive regarding the impact of this variant on protein structure and function (internally defined REVEL score threshold 0.5 < inconclusive < 0.7, PMID: 27666373). To our knowledge, functional studies have not been reported for this variant. This variant has not been reported in individuals affected with hereditary cancer in the literature. This variant has been identified in 2/250848 chromosomes in the general population by the Genome Aggregation Database (gnomAD). The available evidence is insufficient to determine the role of this variant in disease conclusively. Therefore, this variant is classified as a Variant of Uncertain Significance.

Myriad Genetics, Inc.
Classification: Uncertain significance for Familial cancer of breast. Last evaluated: 2023-03-01. Review status: criteria provided, single submitter. Criteria: Myriad Autosomal Dominant, Autosomal Recessive and X-Linked Classification Criteria (2023). Collection method: clinical testing. Allele origin: unknown.
Comment: This variant is classified as a variant of uncertain significance as there is insufficient evidence to determine its impact on protein function and/or cancer risk.

Sema4
Classification: Uncertain significance for Hereditary cancer-predisposing syndrome. Last evaluated: 2021-10-29. Review status: criteria provided, single submitter. Criteria: Sema4 Curation Guidelines. Collection method: curation. Allele origin: germline.
Comment: The BRIP1 c.1195G>A (p.E399K) variant has been reported in at least 1 individual with ovarian cancer and 1 individual with Congenital Heart Disease (PMID: 31822495, 28991257). The variant is reported in 2/53,461 controls but not in breast cancer cases in a large dataset of 60,466 women with breast cancer (PMID 33471991). This variant was observed in 2/113346 chromosomes in the Non-Finnish European population according to the Genome Aggregation Database (PMID: 32461654). This variant has been reported in ClinVar (Variation ID 142915). Functional studies have not been performed, and in silico predictions of the variant's effect on protein function are inconclusive. Based on the current evidence available, this variant is interpreted as a variant of uncertain significance.

Revvity Omics, Revvity
Classification: Uncertain significance for Fanconi anemia complementation group J. Last evaluated: 2021-10-05. Review status: criteria provided, single submitter. Criteria: ACMG Guidelines, 2015. Collection method: clinical testing. Allele origin: germline.

Counsyl
Classification: Uncertain significance for Fanconi anemia complementation group J. Last evaluated: 2016-08-16. Review status: no assertion criteria provided. Collection method: clinical testing. Allele origin: unknown. Not counted in ClinVar's aggregate classification.

Counsyl
Classification: Uncertain significance for Ovarian cancer. Last evaluated: 2016-08-16. Review status: no assertion criteria provided. Collection method: clinical testing. Allele origin: unknown. Not counted in ClinVar's aggregate classification.

Literature cited by the submitters: PubMed 31822495 (cited by 3 submitters); PubMed 28991257 (cited by Victorian Clinical Genetics Services, Murdoch Childrens Research Institute and Sema4); PubMed 33471991 (cited by Sema4).

NM_032043.3(BRIP1):c.1195G>A (p.Glu399Lys)

Gene: BRIP1 (BRCA1 interacting DNA helicase 1; minus strand). Cytogenetic location: 17q23.2.
Variant type: single nucleotide variant.
Coding change: c.1195G>A on transcript NM_032043.3 (MANE Select); coding-DNA position 1195, G replaced by A.
Protein change: p.Glu399Lys; replaces glutamic acid 399 with lysine.
Molecular consequence: missense variant.
Genome position (GRCh38, 1-based): chr17:61,799,245, C>T on the plus strand (G>A on the coding strand, the complement: BRIP1 is on the minus strand). VCF-style: chr17-61799245-C-T. GRCh37 (hg19) VCF-style: chr17-59876606-C-T.
Other names: short protein forms E399K.
Identifiers: ClinVar variation 142915 (VCV000142915.33), dbSNP rs587782816, ClinGen allele CA169741.